The following is an entry in ClinVar:

NM_000548.5(TSC2):c.2097+1G>T

Gene: TSC2 (TSC complex subunit 2; plus strand). Cytogenetic location: 16p13.3.
Variant type: single nucleotide variant.
Coding change: c.2097+1G>T on transcript NM_000548.5 (MANE Select); the canonical splice donor site of the intron after coding-DNA position 2097, G replaced by T.
Molecular consequence: splice donor variant.
Genome position (GRCh38, 1-based): chr16:2,071,935, G>T. VCF-style: chr16-2071935-G-T. GRCh37 (hg19) VCF-style: chr16-2121936-G-T.
Other names: c.753+1G>T (NM_001406693.1, NM_001406689.1, NM_001406690.1 and 6 more transcripts); c.2187+1G>T (NM_001406667.1, NM_001406668.1); c.1497+1G>T (NM_001406680.1, NM_001406683.1, NM_001406687.1 and 6 more transcripts); c.495+1G>T (NM_001406698.1); c.2097+1G>T (NM_001114382.3, NM_001406663.1, NM_001406664.1 and 6 more transcripts); c.2085+1G>T (NM_001406671.1, NM_001406673.1); c.1635+1G>T (NM_001406681.1); c.1986+1G>T (NM_001406670.1, NM_001318827.2, NM_001406678.1); and 3 more.
Identifiers: ClinVar variation 3232103 (VCV003232103.1), dbSNP rs2543709038, ClinGen allele CA394274738.

ClinVar aggregate classification (germline): Likely pathogenic (1 of 4 stars; one submission).

Conditions:
Hereditary cancer-predisposing syndrome. Also called: Neoplastic Syndromes, Hereditary; Tumor predisposition; Hereditary neoplastic syndrome; Hereditary Cancer Syndrome. Identifiers: Orphanet 140162, MedGen C0027672, MeSH D009386, MONDO:0015356.

Submission:

Ambry Genetics
Classification: Likely pathogenic for Hereditary cancer-predisposing syndrome. Last evaluated: 2023-11-01. Review status: criteria provided, single submitter. Criteria: Ambry Variant Classification Scheme 2023. Collection method: clinical testing. Allele origin: germline.
Comment: The c.2097+1G>T intronic variant results from a G to T substitution one nucleotide after coding exon 18 of the TSC2 gene. This nucleotide position is highly conserved in available vertebrate species. In silico splice site analysis predicts that this alteration will weaken the native splice donor site and will result in the creation or strengthening of a novel splice donor site. This alteration has been observed in at least one individual with a personal and/or family history that is consistent with TSC2-related disease (Ambry internal data). This variant is considered to be rare based on population cohorts in the Genome Aggregation Database (gnomAD). Alterations that disrupt the canonical splice site are expected to cause aberrant splicing, resulting in an abnormal protein or a transcript that is subject to nonsense-mediated mRNA decay. As such, this alteration is classified as likely pathogenic.